The following is an entry in ClinVar:

NC_000007.14:g.156769101A>G

Genes: LMBR1 (limb development membrane protein 1; minus strand), SHH (sonic hedgehog signaling molecule; minus strand). Cytogenetic location: 7q36.3.
Variant type: single nucleotide variant.
Molecular consequence: intron variant (on NM_022458.4).
Genome position: GRCh38 VCF-style: chr7-156769101-A-G. GRCh37 (hg19) VCF-style: chr7-156561795-A-G.
Other names: c.361-5306T>C (NM_001363412.2); c.145-5306T>C (NM_001350954.2); c.424-5306T>C (NM_001363410.2, NM_022458.4, NM_001363409.2 and 1 more transcripts); c.-33-5306T>C (NM_001350958.2, NM_001350956.2, NM_001350955.2 and 1 more transcripts); c.55-5306T>C (NM_001350957.2, NM_001363411.2).
Identifiers: ClinVar variation 2796537 (VCV002796537.3), dbSNP rs995497901, ClinGen allele CA169820934.

ClinVar aggregate classification (germline): Uncertain significance (1 of 4 stars; one submission).

Conditions:
Holoprosencephaly 3 (HPE3). Identifiers: Orphanet 2162, MedGen C1840529, MONDO:0007733, OMIM 142945.

Allele frequency attached by ClinVar (database versions not stated): TOPMed 0.00006; gnomAD 0.00007.
gnomAD v4.1: 11 of 152,136 alleles (0.0072%); highest among the groups gnomAD compares: African/African-American, 0.027%; no homozygotes.

Submission:

Labcorp Genetics (formerly Invitae), Labcorp
Classification: Uncertain significance for Holoprosencephaly 3. Last evaluated: 2023-01-01. Review status: criteria provided, single submitter. Criteria: Invitae Variant Classification Sherloc (09022015). Collection method: clinical testing. Allele origin: germline.
Comment: In summary, the available evidence is currently insufficient to determine the role of this variant in disease. Therefore, it has been classified as a Variant of Uncertain Significance. Experimental studies and prediction algorithms are not available or were not evaluated, and the effect of this variant on mRNA splicing is currently unknown. This variant has not been reported in the literature in individuals affected with SHH-related conditions. This variant is present in population databases (no rsID available, gnomAD 0.02%). This variant occurs in a non-coding region of the SHH gene. It does not change the encoded amino acid sequence of the SHH protein.